The following is an entry in ClinVar:

ClinVar aggregate classification (germline): Uncertain significance (1 of 4 stars; one submission).

Submission:

GeneDx
Classification: Uncertain significance. Last evaluated: 2025-03-12. Review status: criteria provided, single submitter. Criteria: GeneDx Variant Classification Process June 2021. Collection method: clinical testing. Allele origin: germline. Affected: yes.
Comment: Not observed at significant frequency in large population cohorts (gnomAD); In silico analysis supports that this missense variant has a deleterious effect on protein structure/function; Has not been previously published as pathogenic or benign to our knowledge

NM_006445.4(PRPF8):c.3500C>T (p.Thr1167Ile)

Gene: PRPF8 (pre-mRNA processing factor 8; minus strand). Cytogenetic location: 17p13.3.
Variant type: single nucleotide variant.
Coding change: c.3500C>T on transcript NM_006445.4 (MANE Select); coding-DNA position 3500, C replaced by T.
Protein change: p.Thr1167Ile; replaces threonine 1167 with isoleucine.
Molecular consequence: missense variant.
Genome position (GRCh38, 1-based): chr17:1,673,514, G>A on the plus strand (C>T on the coding strand, the complement: PRPF8 is on the minus strand). VCF-style: chr17-1673514-G-A. GRCh37 (hg19) VCF-style: chr17-1576808-G-A.
Other names: short protein forms T1167I.
Identifiers: ClinVar variation 4083278 (VCV004083278.1).